The following is an entry in ClinVar:

NM_014956.5(CEP164):c.1507G>A (p.Glu503Lys)

Gene: CEP164 (centrosomal protein 164; plus strand). Cytogenetic location: 11q23.3.
Variant type: single nucleotide variant.
Coding change: c.1507G>A on transcript NM_014956.5 (MANE Select); coding-DNA position 1507, G replaced by A.
Protein change: p.Glu503Lys; replaces glutamic acid 503 with lysine.
Molecular consequence: missense variant.
Genome position (GRCh38, 1-based): chr11:117,381,798, G>A. VCF-style: chr11-117381798-G-A. GRCh37 (hg19) VCF-style: chr11-117252514-G-A.
Other names: c.1516G>A, p.Glu506Lys (NM_001271933.2); short protein forms E503K, E506K.
Identifiers: ClinVar variation 858604 (VCV000858604.8), dbSNP rs763864742, ClinGen allele CA6294783.
Genomic context (GRCh38, chr11:117,381,798, plus strand): 5'-AGTCCCCCTCGCAGCCTGGCCACTGAAGAAGAGCCTCCCCAGGGCCCCGAGGGGCAGCCC[G>A]AGTGGAAGGAGGCAGAGGAGCTTGGGGAGGACTCTGCAGCCAGCCTCAGCCTGCAGCTGT-3'
Protein context (NP_055771.4, residues 493-513): EPPQGPEGQP[Glu503Lys]WKEAEELGED

ClinVar aggregate classification (germline): Uncertain significance. Review status: criteria provided, multiple submitters, no conflicts (2 of 4 stars). 4 submissions from 4 submitters: Uncertain significance (4). Last evaluated 2026-03-31.

Conditions:
Nephronophthisis 15 (NPHP15). Identifiers: Orphanet 3156, MedGen C3541853, MONDO:0013917, OMIM 614845.
CEP164-related disorder. Also called: CEP164-related condition.
Inborn genetic diseases. Identifiers: MedGen C0950123, MeSH D030342.

Allele frequency attached by ClinVar (database versions not stated): gnomAD exomes 0.00008 and 0.00011; gnomAD 0.00011 and 0.00013; TOPMed 0.00014; ExAC 0.00015.
gnomAD v4.1: 173 of 1,568,774 alleles (0.011%); highest among the groups gnomAD compares: Admixed American, 0.032%; no homozygotes.

Submissions (4):

PreventionGenetics, part of Exact Sciences
Classification: Uncertain significance for CEP164-related condition. Last evaluated: 2026-03-31. Review status: criteria provided, single submitter. Criteria: ACMG Guidelines, 2015. Collection method: clinical testing. Allele origin: germline.
Comment: The CEP164 c.1507G>A variant is predicted to result in the amino acid substitution p.Glu503Lys. To our knowledge, this variant has not been reported in the literature. This variant is reported in 0.025% of alleles in individuals of Latino descent in gnomAD. At this time, the clinical significance of this variant is uncertain due to the absence of conclusive functional and genetic evidence.

GeneDx
Classification: Uncertain significance. Last evaluated: 2024-02-25. Review status: criteria provided, single submitter. Criteria: GeneDx Variant Classification Process June 2021. Collection method: clinical testing. Allele origin: germline. Affected: yes.
Comment: In silico analysis supports that this missense variant does not alter protein structure/function; Has not been previously published as pathogenic or benign to our knowledge

Labcorp Genetics (formerly Invitae), Labcorp
Classification: Uncertain significance for Nephronophthisis 15. Last evaluated: 2024-01-08. Review status: criteria provided, single submitter. Criteria: Invitae Variant Classification Sherloc (09022015). Collection method: clinical testing. Allele origin: germline.
Comment: This sequence change replaces glutamic acid, which is acidic and polar, with lysine, which is basic and polar, at codon 503 of the CEP164 protein (p.Glu503Lys). This variant is present in population databases (rs763864742, gnomAD 0.03%). This variant has not been reported in the literature in individuals affected with CEP164-related conditions. ClinVar contains an entry for this variant (Variation ID: 858604). Algorithms developed to predict the effect of missense changes on protein structure and function output the following: SIFT: "Not Available"; PolyPhen-2: "Benign"; Align-GVGD: "Not Available". The lysine amino acid residue is found in multiple mammalian species, which suggests that this missense change does not adversely affect protein function. In summary, the available evidence is currently insufficient to determine the role of this variant in disease. Therefore, it has been classified as a Variant of Uncertain Significance.

Ambry Genetics
Classification: Uncertain significance for Inborn genetic diseases. Last evaluated: 2023-11-18. Review status: criteria provided, single submitter. Criteria: Ambry Variant Classification Scheme 2023. Collection method: clinical testing. Allele origin: germline.